The following is an entry in ClinVar:

NC_000002.11:g.(?_44161309)_(44162037_?)dup

Gene: LRPPRC (leucine rich pentatricopeptide repeat containing; minus strand). Cytogenetic location: 2p21.
Variant type: Duplication.
Identifiers: ClinVar variation 3247589 (VCV003247589.1).

ClinVar aggregate classification (germline): Likely pathogenic (1 of 4 stars; one submission).

Submission:

Labcorp Genetics (formerly Invitae), Labcorp
Classification: Likely pathogenic. Last evaluated: 2023-09-06. Review status: criteria provided, single submitter. Criteria: Invitae Variant Classification Sherloc (09022015). Collection method: clinical testing. Allele origin: unknown.
Comment: In summary, the currently available evidence indicates that the variant is pathogenic, but additional data are needed to prove that conclusively. Therefore, this variant has been classified as Likely Pathogenic. This variant has not been reported in the literature in individuals affected with LRPPRC-related conditions. This variant results in a copy number gain of the genomic region encompassing exon(s) 24-25 of the LRPPRC gene. While the exact position of this variant cannot be determined from the data, sub-genic copy number gains are generally in tandem (PMID: 25640679). This variant is predicted to be out-of-frame, and may result in an absent or disrupted protein product. Loss-of-function variants in LRPPRC are known to be pathogenic (PMID: 26510951).

Literature cited by the submitters: PubMed 25640679; PubMed 26510951.